The following is an entry in ClinVar:

ClinVar aggregate classification (germline): Pathogenic/Likely pathogenic. Review status: criteria provided, multiple submitters, no conflicts (2 of 4 stars). 5 submissions from 5 submitters: Pathogenic (2); Likely pathogenic (3). Last evaluated 2025-12-04.

Conditions:
Leber congenital amaurosis (LCA). Also called: Leber's amaurosis. Identifiers: Orphanet 65, MedGen C0339527, MeSH D057130, MONDO:0018998.
LCA5-related disorder. Also called: LCA5-related condition.
Leber congenital amaurosis 5 (LCA5). Also called: Amaurosis congenita of Leber, type 5. Identifiers: Orphanet 65, MedGen C1858301, MONDO:0011473, OMIM 604537.

Allele frequency attached by ClinVar (database versions not stated): gnomAD 0.00001; gnomAD exomes 0.00001; TOPMed 0.00001.

Submissions (5):

Natera, Inc.
Classification: Likely pathogenic for Leber congenital amaurosis type 5. Last evaluated: 2025-12-04. Review status: criteria provided, single submitter. Criteria: Natera Variant Classification Schema (03/2026). Collection method: clinical testing. Allele origin: germline.
Comment: The c.2T>C variant in LCA5 is predicted to result in start loss due to disruption of the initiator methionine. This variant is expected to result in nonsense mediated decay, truncation, or a dysfunctional protein product. This variant is rare in the general population with a frequency below the threshold expected for the associated phenotype(s). Given the available evidence, this variant is classified as Likely Pathogenic.

Labcorp Genetics (formerly Invitae), Labcorp
Classification: Pathogenic. Last evaluated: 2025-06-03. Review status: criteria provided, single submitter. Criteria: Invitae Variant Classification Sherloc (09022015). Collection method: clinical testing. Allele origin: germline.
Comment: This sequence change affects the initiator codon of the LCA5 mRNA. This change may impact translation initiation or efficiency. The next in-frame methionine is located at codon 336. This variant is not present in population databases (gnomAD no frequency). Disruption of the initiator codon has been observed in individuals with LCA5-related conditions (PMID: 23946133; internal data). ClinVar contains an entry for this variant (Variation ID: 1009292). This variant disrupts a region of the LCA5 protein in which other variant(s) (p.Ala212Pro) have been observed in individuals with LCA5-related conditions (PMID: 27067258). This suggests that this is a clinically significant region of the protein, and that variants that disrupt it are likely to be disease-causing. For these reasons, this variant has been classified as Pathogenic.

Women's Health and Genetics/Laboratory Corporation of America, LabCorp
Classification: Pathogenic for Leber congenital amaurosis. Last evaluated: 2025-04-17. Review status: criteria provided, single submitter. Criteria: LabCorp Variant Classification Summary - May 2015. Collection method: clinical testing. Allele origin: germline.
Comment: Variant summary: LCA5 c.2T>C (p.Met1Thr) alters the initiation codon and is predicted to result either in absence of the protein or truncation of the encoded protein due to translation initiation at a downstream codon. The next in-frame methionine residue is located at codon 336, if translated would delete critical domain(s) of the LCA5 protein. A different variant located at the same codon, c.3G>A (p.Met1?) has been classified as pathogenic at our laboratory supporting the critical relevance of this residue to LCA5 protein function. Two of two in-silico tools predict a damaging effect of the variant on protein function. The variant was absent in 251410 control chromosomes. c.2T>C has been observed in individual(s) affected with features of Leber Congenital Amaurosis/Retinitis Pigmentosa tested at our laboratory (internal data). These data indicate that the variant is likely to be associated with disease. To our knowledge, no experimental evidence demonstrating an impact on protein function has been reported. ClinVar contains an entry for this variant (Variation ID: 1009292). Based on the evidence outlined above, the variant was classified as pathogenic.

Fulgent Genetics
Classification: Likely pathogenic for Leber congenital amaurosis 5. Last evaluated: 2024-06-06. Review status: criteria provided, single submitter. Criteria: ACMG Guidelines, 2015. Collection method: clinical testing. Allele origin: germline.

Blueprint Genetics
Classification: Likely pathogenic for LCA5-related disorders. Last evaluated: 2020-09-22. Review status: criteria provided, single submitter. Criteria: ACMG Guidelines, 2015. Collection method: clinical testing. Allele origin: germline. Affected: yes. Observed: 3 variant alleles.

Literature cited by the submitters: PubMed 23946133 (cited by Labcorp Genetics (formerly Invitae), Labcorp); PubMed 27067258 (cited by Labcorp Genetics (formerly Invitae), Labcorp).

NM_001122769.3(LCA5):c.2T>C (p.Met1Thr)

Gene: LCA5 (lebercilin LCA5; minus strand). Cytogenetic location: 6q14.1.
Variant type: single nucleotide variant.
Coding change: c.2T>C on transcript NM_001122769.3 (MANE Select); coding-DNA position 2, T replaced by C.
Protein change: p.Met1Thr; changes the start codon (methionine 1).
Molecular consequence: missense variant, initiator codon variant.
Genome position (GRCh38, 1-based): chr6:79,518,893, A>G on the plus strand (T>C on the coding strand, the complement: LCA5 is on the minus strand). VCF-style: chr6-79518893-A-G. GRCh37 (hg19) VCF-style: chr6-80228610-A-G.
Other names: c.2T>C, p.Met1Thr (NM_181714.4); short protein forms M1T.
Identifiers: ClinVar variation 1009292 (VCV001009292.13), dbSNP rs1331645027, ClinGen allele CA364632418.